The following is an entry in ClinVar:

NM_001042492.3(NF1):c.7828C>G (p.Leu2610Val)

Gene: NF1 (neurofibromin 1; plus strand). Cytogenetic location: 17q11.2.
Variant type: single nucleotide variant.
Coding change: c.7828C>G on transcript NM_001042492.3 (MANE Select); coding-DNA position 7828, C replaced by G.
Protein change: p.Leu2610Val; replaces leucine 2610 with valine.
Molecular consequence: missense variant.
Genome position (GRCh38, 1-based): chr17:31,357,049, C>G. VCF-style: chr17-31357049-C-G. GRCh37 (hg19) VCF-style: chr17-29684067-C-G.
Other names: c.7765C>G, p.Leu2589Val (NM_000267.4); short protein forms L2610V, L2589V.
Identifiers: ClinVar variation 1760516 (VCV001760516.4), dbSNP rs2151582434, ClinGen allele CA399018597.

ClinVar aggregate classification (germline): Uncertain significance. Review status: criteria provided, multiple submitters, no conflicts (2 of 4 stars). 2 submissions from 2 submitters: Uncertain significance (2). Last evaluated 2024-05-19.

Conditions:
Cardiovascular phenotype. Identifiers: MedGen CN230736.
Hereditary cancer-predisposing syndrome. Also called: Neoplastic Syndromes, Hereditary; Tumor predisposition; Hereditary neoplastic syndrome; Hereditary Cancer Syndrome. Identifiers: Orphanet 140162, MedGen C0027672, MeSH D009386, MONDO:0015356.
Neurofibromatosis, type 1 (NF1). Also called: Peripheral type neurofibromatosis; VON RECKLINGHAUSEN DISEASE; NEUROFIBROMATOSIS, TYPE I, SOMATIC; Neurofibromatosis, type I. Identifiers: Orphanet 636, MedGen C0027831, MONDO:0018975, OMIM 162200. Disease mechanism: loss of function.

Submissions (2):

Labcorp Genetics (formerly Invitae), Labcorp
Classification: Uncertain significance for Neurofibromatosis, type 1. Last evaluated: 2024-05-19. Review status: criteria provided, single submitter. Criteria: Invitae Variant Classification Sherloc (09022015). Collection method: clinical testing. Allele origin: germline.
Comment: This sequence change replaces leucine, which is neutral and non-polar, with valine, which is neutral and non-polar, at codon 2589 of the NF1 protein (p.Leu2589Val). This variant is not present in population databases (gnomAD no frequency). This variant has not been reported in the literature in individuals affected with NF1-related conditions. ClinVar contains an entry for this variant (Variation ID: 1760516). Advanced modeling of protein sequence and biophysical properties (such as structural, functional, and spatial information, amino acid conservation, physicochemical variation, residue mobility, and thermodynamic stability) performed at Invitae indicates that this missense variant is expected to disrupt NF1 protein function with a positive predictive value of 95%. In summary, the available evidence is currently insufficient to determine the role of this variant in disease. Therefore, it has been classified as a Variant of Uncertain Significance.

Ambry Genetics
Classification: Uncertain significance for Cardiovascular phenotype; Hereditary cancer-predisposing syndrome. Last evaluated: 2022-04-10. Review status: criteria provided, single submitter. Criteria: Ambry Variant Classification Scheme 2023. Collection method: clinical testing. Allele origin: germline.
Comment: The p.L2589V variant (also known as c.7765C>G), located in coding exon 52 of the NF1 gene, results from a C to G substitution at nucleotide position 7765. The leucine at codon 2589 is replaced by valine, an amino acid with highly similar properties. This amino acid position is conserved. In addition, the in silico prediction for this alteration is inconclusive. Since supporting evidence is limited at this time, the clinical significance of this alteration remains unclear.